The following is an entry in ClinVar:

ClinVar aggregate classification (germline): Uncertain significance (1 of 4 stars; one submission).

gnomAD v4.1: 1 of 1,420,964 alleles (0.00007%); highest among the groups gnomAD compares: South Asian, 0.0017%; no homozygotes.

Submission:

Labcorp Genetics (formerly Invitae), Labcorp
Classification: Uncertain significance. Last evaluated: 2026-01-31. Review status: criteria provided, single submitter. Criteria: Invitae Variant Classification Sherloc (09022015). Collection method: clinical testing. Allele origin: germline.
Comment: This sequence change replaces arginine, which is basic and polar, with lysine, which is basic and polar, at codon 212 of the RNF13 protein (p.Arg212Lys). This variant is not present in population databases (gnomAD no frequency). This variant has not been reported in the literature in individuals affected with RNF13-related conditions. Invitae Evidence Modeling of protein sequence and biophysical properties (such as structural, functional, and spatial information, amino acid conservation, physicochemical variation, residue mobility, and thermodynamic stability) indicates that this missense variant is not expected to disrupt RNF13 protein function with a negative predictive value of 80%. In summary, the available evidence is currently insufficient to determine the role of this variant in disease. Therefore, it has been classified as a Variant of Uncertain Significance.

NM_183381.3(RNF13):c.635G>A (p.Arg212Lys)

Gene: RNF13 (ring finger protein 13; plus strand). Cytogenetic location: 3q25.1.
Variant type: single nucleotide variant.
Coding change: c.635G>A on transcript NM_183381.3 (MANE Select); coding-DNA position 635, G replaced by A.
Protein change: p.Arg212Lys; replaces arginine 212 with lysine.
Molecular consequence: missense variant. On other transcripts: non-coding transcript variant (1).
Genome position (GRCh38, 1-based): chr3:149,921,162, G>A. VCF-style: chr3-149921162-G-A. GRCh37 (hg19) VCF-style: chr3-149638949-G-A.
Other names: c.635G>A, p.Arg212Lys (NM_001378285.1, NM_001378286.1, NM_007282.4); c.278G>A, p.Arg93Lys (NM_001378287.1, NM_001378288.1, NM_001378289.1 and 2 more transcripts); c.242G>A, p.Arg81Lys (NM_001378291.1); short protein forms R81K, R93K, R212K.
Identifiers: ClinVar variation 4742461 (VCV004742461.1).